The following is an entry in ClinVar:

NM_006343.3(MERTK):c.2533C>T (p.Pro845Ser)

Gene: MERTK (MER proto-oncogene, tyrosine kinase; plus strand). Cytogenetic location: 2q13.
Variant type: single nucleotide variant.
Coding change: c.2533C>T on transcript NM_006343.3 (MANE Select); coding-DNA position 2533, C replaced by T.
Protein change: p.Pro845Ser; replaces proline 845 with serine.
Molecular consequence: missense variant.
Genome position (GRCh38, 1-based): chr2:112,028,397, C>T. VCF-style: chr2-112028397-C-T. GRCh37 (hg19) VCF-style: chr2-112785974-C-T.
Other names: short protein forms P845S.
Identifiers: ClinVar variation 4762081 (VCV004762081.2).

ClinVar aggregate classification (germline): Uncertain significance. Review status: criteria provided, multiple submitters, no conflicts (2 of 4 stars). 2 submissions from 2 submitters: Uncertain significance (2). Last evaluated 2025-12-18.

gnomAD v4.1: 20 of 1,614,092 alleles (0.0012%); highest among the groups gnomAD compares: Middle Eastern, 0.016%; no homozygotes.

Submissions (2):

Labcorp Genetics (formerly Invitae), Labcorp
Classification: Uncertain significance. Last evaluated: 2025-12-18. Review status: criteria provided, single submitter. Criteria: Invitae Variant Classification Sherloc (09022015). Collection method: clinical testing. Allele origin: germline.
Comment: This sequence change replaces proline, which is neutral and non-polar, with serine, which is neutral and polar, at codon 845 of the MERTK protein (p.Pro845Ser). This variant is present in population databases (rs148926887, gnomAD 0.01%). This variant has not been reported in the literature in individuals affected with MERTK-related conditions. Invitae Evidence Modeling of protein sequence and biophysical properties (such as structural, functional, and spatial information, amino acid conservation, physicochemical variation, residue mobility, and thermodynamic stability) indicates that this missense variant is expected to disrupt MERTK protein function with a positive predictive value of 80%. In summary, the available evidence is currently insufficient to determine the role of this variant in disease. Therefore, it has been classified as a Variant of Uncertain Significance.

Blueprint Genetics
Classification: Uncertain significance. Last evaluated: 2022-11-04. Review status: criteria provided, single submitter. Criteria: ACMG Guidelines, 2015. Collection method: clinical testing. Allele origin: germline.